The following is an entry in ClinVar:

NM_005050.4(ABCD4):c.184T>C (p.Leu62=)

Gene: ABCD4 (ATP binding cassette subfamily D member 4; minus strand). Cytogenetic location: 14q24.3.
Variant type: single nucleotide variant.
Coding change: c.184T>C on transcript NM_005050.4 (MANE Select); coding-DNA position 184, T replaced by C.
Protein change: p.Leu62=; no amino-acid change (leucine 62 retained).
Molecular consequence: synonymous variant. On other transcripts: 5 prime UTR variant (10), non-coding transcript variant (6), intron variant (9).
Genome position (GRCh38, 1-based): chr14:74,299,649, A>G on the plus strand (T>C on the coding strand, the complement: ABCD4 is on the minus strand). VCF-style: chr14-74299649-A-G. GRCh37 (hg19) VCF-style: chr14-74766352-A-G.
Other names: p.Leu62=; c.184T>C, p.Leu62= (NM_001353591.2, NM_001353592.2, NM_020325.3); c.-78T>C (NM_001353593.2, NM_001353594.2); c.-226T>C (NM_001353595.2); c.-154T>C (NM_001353599.2, NM_020324.3); c.-506T>C (NM_001353602.2); c.-511T>C (NM_001353605.2, NM_001353609.2, NM_001353610.2); c.-366T>C (NM_001353608.2); and 7 more.
Identifiers: ClinVar variation 259620 (VCV000259620.17), dbSNP rs2301345, ClinGen allele CA7267305.

ClinVar aggregate classification (germline): Benign. Review status: criteria provided, multiple submitters, no conflicts (2 of 4 stars). 8 submissions from 8 submitters: Benign (8). Last evaluated 2026-02-04.

Conditions:
Methylmalonic acidemia with homocystinuria, type cblJ (MAHCJ). Also called: METHYLMALONIC ACIDURIA AND HOMOCYSTINURIA, cblJ TYPE. Identifiers: Orphanet 369955, MedGen C3553915, MONDO:0013925, OMIM 614857.

Allele frequency attached by ClinVar (database versions not stated): 1000 Genomes Project 30x 0.25828; 1000 Genomes Project 0.26258; TOPMed 0.29257; gnomAD 0.29779 and 0.29993; ESP Exome Variant Server 0.29902.
gnomAD v4.1: 559,913 of 1,612,364 alleles (35%); highest among the groups gnomAD compares: Middle Eastern, 52%; 100,730 homozygotes.

Submissions (8):

Labcorp Genetics (formerly Invitae), Labcorp
Classification: Benign for Methylmalonic acidemia with homocystinuria, type cblJ. Last evaluated: 2026-02-04. Review status: criteria provided, single submitter. Criteria: Invitae Variant Classification Sherloc (09022015). Collection method: clinical testing. Allele origin: germline.

Blueprint Genetics
Classification: Benign. Last evaluated: 2024-11-27. Review status: criteria provided, single submitter. Criteria: ACMG Guidelines, 2015. Collection method: clinical testing. Allele origin: germline.

Mayo Clinic Laboratories, Mayo Clinic
Classification: Benign. Last evaluated: 2022-03-31. Review status: criteria provided, single submitter. Criteria: ACMG Guidelines, 2015. Collection method: clinical testing. Allele origin: germline. Observed: 64 variant alleles.

Genome-Nilou Lab
Classification: Benign for Methylmalonic acidemia with homocystinuria, type cblJ. Last evaluated: 2021-07-14. Review status: criteria provided, single submitter. Criteria: ACMG Guidelines, 2015. Collection method: clinical testing. Allele origin: germline. Affected: no.

Mendelics
Classification: Benign for Methylmalonic acidemia with homocystinuria, type cblJ. Last evaluated: 2019-05-28. Review status: criteria provided, single submitter. Criteria: Mendelics Assertion Criteria 2017. Collection method: clinical testing. Allele origin: unknown.

GeneDx
Classification: Benign. Last evaluated: 2015-12-02. Review status: criteria provided, single submitter. Criteria: GeneDx Variant Classification (06012015). Collection method: clinical testing. Allele origin: germline. Affected: yes.
Comment: This variant is considered likely benign or benign based on one or more of the following criteria: it is a conservative change, it occurs at a poorly conserved position in the protein, it is predicted to be benign by multiple in silico algorithms, and/or has population frequency not consistent with disease.

Breakthrough Genomics
Classification: Benign. Review status: criteria provided, single submitter. Criteria: ACMG Guidelines, 2015. Collection method: not provided. Allele origin: germline. Inheritance: Autosomal recessive inheritance. Affected: yes.

PreventionGenetics, part of Exact Sciences
Classification: Benign. Review status: criteria provided, single submitter. Criteria: ACMG Guidelines, 2015. Collection method: clinical testing. Allele origin: germline.